The following is an entry in ClinVar:

NM_000038.6(APC):c.4107C>G (p.Pro1369=)

Gene: APC (APC regulator of Wnt signaling pathway; plus strand). Cytogenetic location: 5q22.2.
Variant type: single nucleotide variant.
Coding change: c.4107C>G on transcript NM_000038.6 (MANE Select); coding-DNA position 4107, C replaced by G.
Protein change: p.Pro1369=; no amino-acid change (proline 1369 retained).
Molecular consequence: synonymous variant.
Genome position (GRCh38, 1-based): chr5:112,839,701, C>G. VCF-style: chr5-112839701-C-G. GRCh37 (hg19) VCF-style: chr5-112175398-C-G.
Other names: c.4107C>G (NM_000038.5); c.4107C>G, p.Pro1369= (NM_001127510.3, NM_001354895.2); c.4053C>G, p.Pro1351= (NM_001127511.3); c.4161C>G, p.Pro1387= (NM_001354896.2); c.4137C>G, p.Pro1379= (NM_001354897.2); c.4032C>G, p.Pro1344= (NM_001354898.2); c.4023C>G, p.Pro1341= (NM_001354899.2); c.3984C>G, p.Pro1328= (NM_001354900.2); and 6 more.
Identifiers: ClinVar variation 1109148 (VCV001109148.12), dbSNP rs2149906668, ClinGen allele CA445964118.

ClinVar aggregate classification (germline): Benign/Likely benign. Review status: criteria provided, multiple submitters, no conflicts (2 of 4 stars). 3 submissions from 3 submitters: Benign (1); Likely benign (2). Last evaluated 2025-02-14.

Conditions:
Hereditary cancer-predisposing syndrome. Also called: Tumor predisposition; Hereditary Cancer Syndrome; Neoplastic Syndromes, Hereditary; Hereditary neoplastic syndrome. Identifiers: Orphanet 140162, MedGen C0027672, MeSH D009386, MONDO:0015356.
Familial adenomatous polyposis 1 (FAP1). Also called: POLYPOSIS, ADENOMATOUS INTESTINAL; FAMILIAL ADENOMATOUS POLYPOSIS 1, ATTENUATED. Identifiers: MedGen C2713442, MONDO:0021056, OMIM 175100. Disease mechanism: loss of function.

Submissions (3):

Ambry Genetics
Classification: Likely benign for Hereditary cancer-predisposing syndrome. Last evaluated: 2025-02-14. Review status: criteria provided, single submitter. Criteria: Ambry Variant Classification Scheme 2023. Collection method: clinical testing. Allele origin: germline.

Myriad Genetics, Inc.
Classification: Benign for Familial adenomatous polyposis 1. Last evaluated: 2024-03-25. Review status: criteria provided, single submitter. Criteria: Myriad Autosomal Dominant, Autosomal Recessive and X-Linked Classification Criteria (2023). Collection method: clinical testing. Allele origin: unknown.
Comment: This variant is considered benign. This variant is a silent/synonymous amino acid change and it is not expected to impact splicing.

Labcorp Genetics (formerly Invitae), Labcorp
Classification: Likely benign for Familial adenomatous polyposis 1. Last evaluated: 2020-10-12. Review status: criteria provided, single submitter. Criteria: Invitae Variant Classification Sherloc (09022015). Collection method: clinical testing. Allele origin: germline.